The following is an entry in ClinVar:

NM_001035.3(RYR2):c.7161G>A (p.Ala2387=)

Gene: RYR2 (ryanodine receptor 2; plus strand). Cytogenetic location: 1q43.
Variant type: single nucleotide variant.
Coding change: c.7161G>A on transcript NM_001035.3 (MANE Select); coding-DNA position 7161, G replaced by A.
Protein change: p.Ala2387=; no amino-acid change (alanine 2387 retained).
Molecular consequence: synonymous variant.
Genome position (GRCh38, 1-based): chr1:237,640,942, G>A. VCF-style: chr1-237640942-G-A. GRCh37 (hg19) VCF-style: chr1-237804242-G-A.
Other names: p.A2387A:GCG>GCA.
Identifiers: ClinVar variation 138949 (VCV000138949.39), dbSNP rs371560909, ClinGen allele CA010591.

ClinVar aggregate classification (germline): Benign/Likely benign. Review status: criteria provided, multiple submitters, no conflicts (2 of 4 stars). 13 submissions from 13 submitters: Benign (6); Likely benign (7). Last evaluated 2026-07-01.

Conditions:
Cardiovascular phenotype. Identifiers: MedGen CN230736.
Catecholaminergic polymorphic ventricular tachycardia (CVPT). Also called: Catecholamine-induced polymorphic ventricular tachycardia. Identifiers: Orphanet 3286, MedGen C5574922, MONDO:0017990.
Cardiomyopathy (CMYO). Also called: Cardiomyopathies. Identifiers: Orphanet 167848, MedGen C0878544, MONDO:0004994, HP:0001638. Inheritance: Various modes of inheritance.
Catecholaminergic polymorphic ventricular tachycardia 1. Also called: VENTRICULAR TACHYCARDIA, STRESS-INDUCED POLYMORPHIC 1; VENTRICULAR TACHYCARDIA, CATECHOLAMINERGIC POLYMORPHIC, 1, WITH OR WITHOUT ATRIAL DYSFUNCTION AND/OR DILATED CARDIOMYOPATHY; RYR2-Related Catecholaminergic Polymorphic Ventricular Tachycardia. Identifiers: Orphanet 3286, MedGen C1631597, MONDO:0011484, OMIM 604772.

Allele frequency attached by ClinVar (database versions not stated): ESP Exome Variant Server 0.00110; TOPMed 0.00118; 1000 Genomes Project 0.00120; 1000 Genomes Project 30x 0.00156.
gnomAD v4.1: 372 of 1,613,674 alleles (0.023%); highest among the groups gnomAD compares: African/African-American, 0.44%; 2 homozygotes.

Submissions (13):

CeGaT Center for Human Genetics Tuebingen
Classification: Likely benign. Last evaluated: 2026-07-01. Review status: criteria provided, single submitter. Criteria: CeGaT Center For Human Genetics Tuebingen Variant Classification Criteria Version 2. Collection method: clinical testing. Allele origin: germline. Affected: yes. Observed: 1 variant allele.
Comment: RYR2: BP4, BP7, BS1

Labcorp Genetics (formerly Invitae), Labcorp
Classification: Benign for Catecholaminergic polymorphic ventricular tachycardia 1. Last evaluated: 2026-02-03. Review status: criteria provided, single submitter. Criteria: Invitae Variant Classification Sherloc (09022015). Collection method: clinical testing. Allele origin: germline.

Molecular Diagnostic Laboratory for Inherited Cardiovascular Disease, Montreal Heart Institute
Classification: Benign. Last evaluated: 2025-04-09. Review status: criteria provided, single submitter. Criteria: ACMG Guidelines, 2015. Collection method: clinical testing. Allele origin: germline. Affected: no.

Blueprint Genetics
Classification: Likely benign. Last evaluated: 2024-05-03. Review status: criteria provided, single submitter. Criteria: ACMG Guidelines, 2015. Collection method: clinical testing. Allele origin: germline.

All of Us Research Program, National Institutes of Health
Classification: Benign for Catecholaminergic polymorphic ventricular tachycardia. Last evaluated: 2024-02-05. Review status: criteria provided, single submitter. Criteria: ACMG Guidelines, 2015. Collection method: clinical testing. Allele origin: germline. Inheritance: Autosomal dominant inheritance. Observed: 79 variant alleles, 78 heterozygotes, 1 homozygote.
Comment: This study involves interpretation of variants in research participants for the purpose of population health screening. Participant phenotype was not available at the time of variant classification. Additional details can be found in publication PMID: 35346344, PMCID: PMC8962531

ARUP Laboratories, Molecular Genetics and Genomics, ARUP Laboratories
Classification: Likely benign. Last evaluated: 2020-01-31. Review status: criteria provided, single submitter. Criteria: ARUP Molecular Germline Variant Investigation Process. Collection method: clinical testing. Allele origin: germline.

Color Diagnostics, LLC DBA Color Health
Classification: Benign for Cardiomyopathy. Last evaluated: 2019-01-31. Review status: criteria provided, single submitter. Criteria: ACMG Guidelines, 2015. Collection method: clinical testing. Allele origin: germline.

Women's Health and Genetics/Laboratory Corporation of America, LabCorp
Classification: Benign. Last evaluated: 2017-11-27. Review status: criteria provided, single submitter. Criteria: LabCorp Variant Classification Summary - May 2015. Collection method: clinical testing. Allele origin: germline.
Comment: Variant summary: The c.7161G>A (p.Ala2387=) in RYR2 gene is a synonymous change that involves a non-conserved nucleotide. 5/5 programs in Alamut predict that this variant does not affect the normal splicing, however no functional studies supporting this notion were published at the time of evaluation. The variant is present in the control dataset of gnomAD at a frequency of 0.0004 (113/276636 chrs tested). These frequencies exceed the estimated maximum allele frequency for a pathogenic allele in this gene (0.00003). The variant of interest has not, to our knowledge, been reported in affected individuals via published reports, but is cited as Benign/Likely Benign by multiple reputable databases/clinical laboratories. Taking together, the variant was classified as Benign.

Eurofins Ntd Llc (ga)
Classification: Likely benign. Last evaluated: 2016-11-29. Review status: criteria provided, single submitter. Criteria: EGL Classification Definitions 2015. Collection method: clinical testing. Allele origin: germline. Observed: 1 variant allele, 1 heterozygote.

Ambry Genetics
Classification: Likely benign for Cardiovascular phenotype. Last evaluated: 2015-10-27. Review status: criteria provided, single submitter. Criteria: Ambry Variant Classification Scheme 2023. Collection method: clinical testing. Allele origin: germline.

GeneDx
Classification: Benign. Last evaluated: 2014-02-07. Review status: criteria provided, single submitter. Criteria: GeneDx Variant Classification (06012015). Collection method: clinical testing. Allele origin: germline. Affected: yes.
Comment: This variant is considered likely benign or benign based on one or more of the following criteria: it is a conservative change, it occurs at a poorly conserved position in the protein, it is predicted to be benign by multiple in silico algorithms, and/or has population frequency not consistent with disease.

Laboratory for Molecular Medicine, Mass General Brigham Personalized Medicine
Classification: Likely benign. Last evaluated: 2012-03-19. Review status: criteria provided, single submitter. Criteria: LMM Criteria. Collection method: clinical testing. Allele origin: germline. Observed: 1 variant allele.
Comment: p.Ala2387Ala in exon 47 of RYR2: This variant is not expected to have clinical s ignificance because it does not alter an amino acid residue and is not located w ithin the splice consensus sequence. It has been identified in 0.3% (10/3510) of African American chromosomes from a broad population by the NHLBI Exome Sequenc ing Project.

PreventionGenetics, part of Exact Sciences
Classification: Likely benign. Review status: criteria provided, single submitter. Criteria: ACMG Guidelines, 2015. Collection method: clinical testing. Allele origin: germline.